The following is an entry in ClinVar:

ClinVar aggregate classification (germline): Pathogenic. Review status: criteria provided, single submitter (1 of 4 stars). 2 submissions from 2 submitters: Pathogenic (1). 1 of the submissions does not count toward it. Last evaluated 2016-03-17.

Conditions:
Lung disease, immunodeficiency, and chromosome breakage syndrome;. Also called: Lung disease, immunodeficiency, and chromosome breakage syndrome. Identifiers: MedGen C4310653, MONDO:0014984, OMIM 617241.
Lung damage, immunodeficiency and chromosome breakage syndrome.

Allele frequency attached by ClinVar (database versions not stated): TOPMed below 0.00001; gnomAD 0.00001.
gnomAD v4.1: 1 of 1,613,996 alleles (0.000062%); highest among the groups gnomAD compares: Non-Finnish European, 0.000085%; no homozygotes.

Submissions (2):

Sharon E. Plon Laboratory, Baylor College of Medicine
Classification: Pathogenic for Lung damage, immunodeficiency and chromosome breakage syndrome. Last evaluated: 2016-03-17. Review status: criteria provided, single submitter. Criteria: van der Crabben et al. (J Clin Invest. 2016). Collection method: research, in vitro, in vivo. Allele origin: inherited, unknown, not applicable. Inheritance: Autosomal recessive inheritance. Affected: yes and no. Observed: 1 heterozygote, 2 compound heterozygotes.
Comment: Four siblings from two unrelated kindreds died during infancy with markedly similar medical problems including severe pulmonary disease following viral pneumonia with evidence of combined T- and B-cell immunodeficiency. Chromosomal testing showed signs of increased aneuploidy/breakage. Cells from the subjects had increased sensitivity to DNA damage. One sib pair harbored rare (p.Leu264Phe) and novel (p.Pro209Leu) compound heterozygous missense variants in NSMCE3, while the other sib pair was homozygous for the p.Leu264Phe variant in NSMCE3.

The researchers Drs. Sharon Plon and Giis van Haaften were connected through Genematcher, a service that enables contact between clinicians & researchers working on genes.

OMIM
Classification: Pathogenic for LUNG DISEASE, IMMUNODEFICIENCY, AND CHROMOSOME BREAKAGE SYNDROME. Last evaluated: 2016-12-19. Review status: no assertion criteria provided. Collection method: literature only. Allele origin: germline. Not counted in ClinVar's aggregate classification.

Literature cited by the submitters: PubMed 20864041 (cited by Sharon E. Plon Laboratory, Baylor College of Medicine); PubMed 27427983 (cited by OMIM).

NM_138704.4(NSMCE3):c.626C>T (p.Pro209Leu)

Genes: ENTREP2 (endosomal transmembrane epsin interactor 2; minus strand), NSMCE3 (NSE3 component of SMC5/6 complex; minus strand). Cytogenetic location: 15q13.1.
Variant type: single nucleotide variant.
Coding change: c.626C>T on transcript NM_138704.4 (MANE Select); coding-DNA position 626, C replaced by T.
Protein change: p.Pro209Leu; replaces proline 209 with leucine.
Molecular consequence: missense variant. On other transcripts: intron variant (5).
Genome position (GRCh38, 1-based): chr15:29,269,080, G>A on the plus strand (C>T on the coding strand, the complement: NSMCE3 is on the minus strand). VCF-style: chr15-29269080-G-A. GRCh37 (hg19) VCF-style: chr15-29561284-G-A.
Other names: c.-12-16602C>T (NM_001387217.1, NM_001387215.1, NM_001387216.1); c.277-16602C>T (NM_001387214.1, NM_015307.2); short protein forms P209L.
Identifiers: ClinVar variation 267796 (VCV000267796.2), dbSNP rs886037827, ClinGen allele CA10602639.
Genomic context (GRCh38, chr15:29,269,080, plus strand): 5'-CGCACAAAGTCCTCAGTAATGAGTTTCTTTGGATCTCCGAAAATTAAATGCTTCTTGGTG[G>A]GGTAGACCCCTAAGCGCCGCAGAAAGTCCCAGGCTTCAGTTTCCTTGATGGTGTTGCCCT-3'
Protein context (NP_619649.1, residues 199-219): WDFLRRLGVY[Pro209Leu]TKKHLIFGDP